The following is an entry in ClinVar:

ClinVar aggregate classification (germline): Uncertain significance (1 of 4 stars; one submission).

Submission:

CeGaT Center for Human Genetics Tuebingen
Classification: Uncertain significance. Last evaluated: 2026-06-01. Review status: criteria provided, single submitter. Criteria: CeGaT Center For Human Genetics Tuebingen Variant Classification Criteria Version 2. Collection method: clinical testing. Allele origin: germline. Affected: yes. Observed: 2 variant alleles.
Comment: TUBB: PM2, PM5:Supporting, PP2

NM_178014.4(TUBB):c.661A>G (p.Thr221Ala)

Gene: TUBB (tubulin beta class I; plus strand). Cytogenetic location: 6p21.33.
Variant type: single nucleotide variant.
Coding change: c.661A>G on transcript NM_178014.4 (MANE Select); coding-DNA position 661, A replaced by G.
Protein change: p.Thr221Ala; replaces threonine 221 with alanine.
Molecular consequence: missense variant. On other transcripts: intron variant (1).
Genome position (GRCh38, 1-based): chr6:30,723,723, A>G. VCF-style: chr6-30723723-A-G. GRCh37 (hg19) VCF-style: chr6-30691500-A-G.
Other names: c.721A>G, p.Thr241Ala (NM_001293212.2); c.529A>G, p.Thr177Ala (NM_001293214.2); c.445A>G, p.Thr149Ala (NM_001293215.2, NM_001293216.2); c.369+292A>G (NM_001293213.2); short protein forms T149A, T177A, T221A, T241A.
Identifiers: ClinVar variation 4822870 (VCV004822870.4).
Genomic context (GRCh38, chr6:30,723,723, plus strand): 5'-TGCATTGACAACGAGGCCCTCTATGATATCTGCTTCCGCACTCTGAAGCTGACCACACCA[A>G]CCTACGGGGATCTGAACCACCTTGTCTCAGCCACCATGAGTGGTGTCACCACCTGCCTCC-3'
Protein context (NP_821133.1, residues 211-231): CFRTLKLTTP[Thr221Ala]YGDLNHLVSA